The following is an entry in ClinVar:

ClinVar aggregate classification (germline): Uncertain significance (1 of 4 stars; one submission).

Submission:

GeneDx
Classification: Uncertain significance. Last evaluated: 2024-01-08. Review status: criteria provided, single submitter. Criteria: GeneDx Variant Classification Process June 2021. Collection method: clinical testing. Allele origin: germline. Affected: yes.
Comment: In silico analysis supports that this missense variant does not alter protein structure/function; Has not been previously published as pathogenic or benign to our knowledge

NM_017827.4(SARS2):c.1429G>A (p.Val477Met)

Gene: SARS2 (seryl-tRNA synthetase 2, mitochondrial; minus strand). Cytogenetic location: 19q13.2.
Variant type: single nucleotide variant.
Coding change: c.1429G>A on transcript NM_017827.4 (MANE Select); coding-DNA position 1429, G replaced by A.
Protein change: p.Val477Met; replaces valine 477 with methionine.
Molecular consequence: missense variant.
Genome position (GRCh38, 1-based): chr19:38,915,734, C>T on the plus strand (G>A on the coding strand, the complement: SARS2 is on the minus strand). VCF-style: chr19-38915734-C-T. GRCh37 (hg19) VCF-style: chr19-39406374-C-T.
Other names: c.1435G>A, p.Val479Met (NM_001145901.2); short protein forms V477M, V479M.
Identifiers: ClinVar variation 3369998 (VCV003369998.1).